The following is an entry in ClinVar:

ClinVar aggregate classification (germline): Likely benign (1 of 4 stars; one submission).

Submission:

CeGaT Center for Human Genetics Tuebingen
Classification: Likely benign. Last evaluated: 2025-08-01. Review status: criteria provided, single submitter. Criteria: CeGaT Center For Human Genetics Tuebingen Variant Classification Criteria Version 2. Collection method: clinical testing. Allele origin: germline. Affected: yes. Observed: 1 variant allele.
Comment: ALK: PM2:Supporting, BP4, BP7

NM_004304.5(ALK):c.2097A>C (p.Ala699=)

Gene: ALK (ALK receptor tyrosine kinase; minus strand). Cytogenetic location: 2p23.2.
Variant type: single nucleotide variant.
Coding change: c.2097A>C on transcript NM_004304.5 (MANE Select); coding-DNA position 2097, A replaced by C.
Protein change: p.Ala699=; no amino-acid change (alanine 699 retained).
Molecular consequence: synonymous variant.
Genome position (GRCh38, 1-based): chr2:29,251,212, T>G on the plus strand (A>C on the coding strand, the complement: ALK is on the minus strand). VCF-style: chr2-29251212-T-G. GRCh37 (hg19) VCF-style: chr2-29474078-T-G.
Identifiers: ClinVar variation 4084792 (VCV004084792.8).